The following is an entry in ClinVar:

ClinVar aggregate classification (germline): Uncertain significance (1 of 4 stars; one submission).

Allele frequency attached by ClinVar (database versions not stated): gnomAD exomes 0.00001.
gnomAD v4.1: 10 of 1,614,086 alleles (0.00062%); highest among the groups gnomAD compares: Non-Finnish European, 0.00085%; no homozygotes.

Submission:

Labcorp Genetics (formerly Invitae), Labcorp
Classification: Uncertain significance. Last evaluated: 2022-06-08. Review status: criteria provided, single submitter. Criteria: Invitae Variant Classification Sherloc (09022015). Collection method: clinical testing. Allele origin: germline.
Comment: In summary, the available evidence is currently insufficient to determine the role of this variant in disease. Therefore, it has been classified as a Variant of Uncertain Significance. Algorithms developed to predict the effect of missense changes on protein structure and function are either unavailable or do not agree on the potential impact of this missense change (SIFT: "Deleterious"; PolyPhen-2: "Possibly Damaging"; Align-GVGD: "Class C0"). This variant has not been reported in the literature in individuals affected with EPRS-related conditions. This variant is not present in population databases (gnomAD no frequency). This sequence change replaces alanine, which is neutral and non-polar, with threonine, which is neutral and polar, at codon 1086 of the EPRS protein (p.Ala1086Thr).

NM_004446.3(EPRS1):c.3256G>A (p.Ala1086Thr)

Gene: EPRS1 (glutamyl-prolyl-tRNA synthetase 1; minus strand). Cytogenetic location: 1q41.
Variant type: single nucleotide variant.
Coding change: c.3256G>A on transcript NM_004446.3 (MANE Select); coding-DNA position 3256, G replaced by A.
Protein change: p.Ala1086Thr; replaces alanine 1086 with threonine.
Molecular consequence: missense variant.
Genome position (GRCh38, 1-based): chr1:219,983,233, C>T on the plus strand (G>A on the coding strand, the complement: EPRS1 is on the minus strand). VCF-style: chr1-219983233-C-T. GRCh37 (hg19) VCF-style: chr1-220156575-C-T.
Other names: short protein forms A1086T.
Identifiers: ClinVar variation 2090375 (VCV002090375.4), dbSNP rs2527968374, ClinGen allele CA344638440.